The following is an entry in ClinVar:

ClinVar aggregate classification (germline): Uncertain significance (1 of 4 stars; one submission).

Allele frequency attached by ClinVar (database versions not stated): gnomAD exomes below 0.00001.
gnomAD v4.1: 6 of 1,613,046 alleles (0.00037%); highest among the groups gnomAD compares: Non-Finnish European, 0.00051%; no homozygotes.

Submission:

Ambry Genetics
Classification: Uncertain significance. Last evaluated: 2024-10-21. Review status: criteria provided, single submitter. Criteria: Ambry Variant Classification Scheme 2023. Collection method: clinical testing. Allele origin: germline.
Comment: The p.T1112I variant (also known as c.3335C>T), located in coding exon 16 of the POLQ gene, results from a C to T substitution at nucleotide position 3335. The threonine at codon 1112 is replaced by isoleucine, an amino acid with similar properties. This amino acid position is conserved. In addition, this alteration is predicted to be tolerated by in silico analysis. Since supporting evidence is limited at this time, the clinical significance of this alteration remains unclear.

NM_199420.4(POLQ):c.3335C>T (p.Thr1112Ile)

Gene: POLQ (DNA polymerase theta; minus strand). Cytogenetic location: 3q13.33.
Variant type: single nucleotide variant.
Coding change: c.3335C>T on transcript NM_199420.4 (MANE Select); coding-DNA position 3335, C replaced by T.
Protein change: p.Thr1112Ile; replaces threonine 1112 with isoleucine.
Molecular consequence: missense variant.
Genome position (GRCh38, 1-based): chr3:121,489,596, G>A on the plus strand (C>T on the coding strand, the complement: POLQ is on the minus strand). VCF-style: chr3-121489596-G-A. GRCh37 (hg19) VCF-style: chr3-121208443-G-A.
Other names: short protein forms T1112I.
Identifiers: ClinVar variation 1730351 (VCV001730351.3), dbSNP rs2546787522, ClinGen allele CA354100581.